The following is an entry in ClinVar:

ClinVar aggregate classification (germline): Pathogenic/Likely pathogenic. Review status: criteria provided, multiple submitters, no conflicts (2 of 4 stars). 3 submissions from 3 submitters: Pathogenic (2); Likely pathogenic (1). Last evaluated 2025-09-01.

Conditions:
Hereditary diffuse gastric adenocarcinoma (HDGC). Also called: DIFFUSE GASTRIC AND LOBULAR BREAST CANCER SYNDROME. Identifiers: Orphanet 26106, MedGen C1708349, MONDO:0007648, OMIM 137215.

Submissions (3):

Labcorp Genetics (formerly Invitae), Labcorp
Classification: Pathogenic for Hereditary diffuse gastric adenocarcinoma. Last evaluated: 2025-09-01. Review status: criteria provided, single submitter. Criteria: Invitae Variant Classification Sherloc (09022015). Collection method: clinical testing. Allele origin: germline.
Comment: This sequence change creates a premature translational stop signal (p.Glu35*) in the CDH1 gene. It is expected to result in an absent or disrupted protein product. Loss-of-function variants in CDH1 are known to be pathogenic (PMID: 15235021, 20373070). This variant is not present in population databases (gnomAD no frequency). This variant has not been reported in the literature in individuals affected with CDH1-related conditions. ClinVar contains an entry for this variant (Variation ID: 929049). For these reasons, this variant has been classified as Pathogenic.

Myriad Genetics, Inc.
Classification: Pathogenic for Hereditary diffuse gastric adenocarcinoma. Last evaluated: 2024-07-23. Review status: criteria provided, single submitter. Criteria: Myriad Autosomal Dominant, Autosomal Recessive and X-Linked Classification Criteria (2023). Collection method: clinical testing. Allele origin: unknown.
Comment: This variant is considered pathogenic. This variant creates a termination codon and is predicted to result in premature protein truncation.

Women's Health and Genetics/Laboratory Corporation of America, LabCorp
Classification: Likely pathogenic for Hereditary diffuse gastric adenocarcinoma. Last evaluated: 2021-12-10. Review status: criteria provided, single submitter. Criteria: LabCorp Variant Classification Summary - May 2015. Collection method: clinical testing. Allele origin: germline.
Comment: Variant summary: CDH1 c.103G>T (p.Glu35X) results in a premature termination codon, predicted to cause a truncation of the encoded protein or absence of the protein due to nonsense mediated decay, which are commonly known mechanisms for disease. Truncations downstream of this position have been classified as pathogenic by our laboratory. The variant was absent in 156712 control chromosomes (gnomAD). c.103G>T has been reported in the literature as a somatic variant in individuals affected with invasive lobular carcinoma (Sakr_2016), and plasmacytoid variant bladder cancer (Al-Ahmadie_2016). These reports do not provide unequivocal conclusions about the germline association of the variant with Hereditary Diffuse Gastric Cancer. To our knowledge, no experimental evidence demonstrating an impact on protein function has been reported. One clinical diagnostic laboratory has submitted clinical-significance assessments for this variant to ClinVar after 2014 without evidence for independent evaluation. One laboratory classified the variant as pathogenic. Based on the evidence outlined above, the variant was classified as likely pathogenic.

Literature cited by the submitters: PubMed 15235021 (cited by Labcorp Genetics (formerly Invitae), Labcorp); PubMed 20373070 (cited by Labcorp Genetics (formerly Invitae), Labcorp); PubMed 26901067 (cited by Women's Health and Genetics/Laboratory Corporation of America, LabCorp); PubMed 26643573 (cited by Women's Health and Genetics/Laboratory Corporation of America, LabCorp).

NM_004360.5(CDH1):c.103G>T (p.Glu35Ter)

Gene: CDH1 (cadherin 1; plus strand). Cytogenetic location: 16q22.1.
Variant type: single nucleotide variant.
Coding change: c.103G>T on transcript NM_004360.5 (MANE Select); coding-DNA position 103, G replaced by T.
Protein change: p.Glu35Ter; replaces glutamic acid 35 with a stop codon.
Molecular consequence: nonsense. On other transcripts: 5 prime UTR variant (2).
Genome position (GRCh38, 1-based): chr16:68,738,351, G>T. VCF-style: chr16-68738351-G-T. GRCh37 (hg19) VCF-style: chr16-68772254-G-T.
Other names: c.103G>T, p.Glu35Ter (NM_001317184.2); c.-1513G>T (NM_001317185.2); c.-1717G>T (NM_001317186.2); short protein forms E35*.
Identifiers: ClinVar variation 929049 (VCV000929049.11), dbSNP rs1597838625, ClinGen allele CA396451998.